The following is an entry in ClinVar:

NM_014797.3(ZBTB24):c.1121-2A>G

Gene: ZBTB24 (zinc finger and BTB domain containing 24; minus strand). Cytogenetic location: 6q21.
Variant type: single nucleotide variant.
Coding change: c.1121-2A>G on transcript NM_014797.3 (MANE Select); the canonical splice acceptor site of the intron before coding-DNA position 1121, A replaced by G.
Molecular consequence: splice acceptor variant.
Genome position (GRCh38, 1-based): chr6:109,476,260, T>C on the plus strand (A>G on the coding strand, the complement: ZBTB24 is on the minus strand). VCF-style: chr6-109476260-T-C. GRCh37 (hg19) VCF-style: chr6-109797463-T-C.
Identifiers: ClinVar variation 2879324 (VCV002879324.3), dbSNP rs1776276356, ClinGen allele CA365203466.

ClinVar aggregate classification (germline): Likely pathogenic (1 of 4 stars; one submission).

Conditions:
Immunodeficiency-centromeric instability-facial anomalies syndrome 2 (ICF2). Identifiers: Orphanet 2268, MedGen C3279748, MONDO:0013553, OMIM 614069.

Submission:

Labcorp Genetics (formerly Invitae), Labcorp
Classification: Likely pathogenic for Immunodeficiency-centromeric instability-facial anomalies syndrome 2. Last evaluated: 2022-11-29. Review status: criteria provided, single submitter. Criteria: Invitae Variant Classification Sherloc (09022015). Collection method: clinical testing. Allele origin: germline.
Comment: In summary, the currently available evidence indicates that the variant is pathogenic, but additional data are needed to prove that conclusively. Therefore, this variant has been classified as Likely Pathogenic. Algorithms developed to predict the effect of sequence changes on RNA splicing suggest that this variant may disrupt the consensus splice site. This variant has not been reported in the literature in individuals affected with ZBTB24-related conditions. This variant is not present in population databases (gnomAD no frequency). This sequence change affects an acceptor splice site in intron 3 of the ZBTB24 gene. It is expected to disrupt RNA splicing. Variants that disrupt the donor or acceptor splice site typically lead to a loss of protein function (PMID: 16199547), and loss-of-function variants in ZBTB24 are known to be pathogenic (PMID: 21596365).

Literature cited by the submitters: PubMed 16199547; PubMed 21596365.